The following is an entry in ClinVar:

NM_001182.5(ALDH7A1):c.1094-184C>T

Gene: ALDH7A1 (aldehyde dehydrogenase 7 family member A1; minus strand). Cytogenetic location: 5q23.2.
Variant type: single nucleotide variant.
Coding change: c.1094-184C>T on transcript NM_001182.5 (MANE Select); 184 bases into the intron before coding-DNA position 1094, C replaced by T.
Molecular consequence: intron variant.
Genome position (GRCh38, 1-based): chr5:126,554,577, G>A on the plus strand (C>T on the coding strand, the complement: ALDH7A1 is on the minus strand). VCF-style: chr5-126554577-G-A. GRCh37 (hg19) VCF-style: chr5-125890269-G-A.
Other names: c.1009-2440C>T (NM_001202404.2); c.1010-184C>T (NM_001201377.2).
Identifiers: ClinVar variation 679317 (VCV000679317.1), dbSNP rs57637772, ClinGen allele CA126887737.

ClinVar aggregate classification (germline): Benign (1 of 4 stars; one submission).

Allele frequency attached by ClinVar (database versions not stated): gnomAD 0.14922 and 0.15865; TOPMed 0.15703; 1000 Genomes Project 30x 0.20831; gnomAD exomes 0.21179; 1000 Genomes Project 0.21605.
gnomAD v4.1: 125,874 of 636,250 alleles (20%); highest among the groups gnomAD compares: East Asian, 58%; 16,598 homozygotes.

Submission:

GeneDx
Classification: Benign. Last evaluated: 2018-06-19. Review status: criteria provided, single submitter. Criteria: GeneDx Variant Classification (06012015). Collection method: clinical testing. Allele origin: germline. Affected: yes.
Comment: This variant is considered likely benign or benign based on one or more of the following criteria: it is a conservative change, it occurs at a poorly conserved position in the protein, it is predicted to be benign by multiple in silico algorithms, and/or has population frequency not consistent with disease.